The following is an entry in ClinVar:

NM_206933.4(USH2A):c.15547G>A (p.Ala5183Thr)

Gene: USH2A (usherin; minus strand). Cytogenetic location: 1q41.
Variant type: single nucleotide variant.
Coding change: c.15547G>A on transcript NM_206933.4 (MANE Select); coding-DNA position 15547, G replaced by A.
Protein change: p.Ala5183Thr; replaces alanine 5183 with threonine.
Molecular consequence: missense variant.
Genome position (GRCh38, 1-based): chr1:215,625,843, C>T on the plus strand (G>A on the coding strand, the complement: USH2A is on the minus strand). VCF-style: chr1-215625843-C-T. GRCh37 (hg19) VCF-style: chr1-215799185-C-T.
Other names: short protein forms A5183T.
Identifiers: ClinVar variation 969763 (VCV000969763.10), dbSNP rs267598369, ClinGen allele CA1392626.
Genomic context (GRCh38, chr1:215,625,843, plus strand): 5'-ACAGGTGGGTGTCTGTGAATGTGGTGCGTTCCTTAGTCACTGAGCTGAAATCCTTGATGG[C>T]GTTCATCAGGTCCTCTTCATCCACATACTGAAAAATAAGCCAATCATCATTGGCTACATA-3'
Protein context (NP_996816.3, residues 5173-5193): LYVDEEDLMN[Ala5183Thr]IKDFSSVTKE

ClinVar aggregate classification (germline): Uncertain significance. Review status: criteria provided, multiple submitters, no conflicts (2 of 4 stars). 7 submissions from 6 submitters: Uncertain significance (6). 1 of the submissions does not count toward it. Last evaluated 2026-01-27.

Conditions:
Retinitis pigmentosa 39 (RP39). Identifiers: Orphanet 791, MedGen C3151138, MONDO:0013436, OMIM 613809.
USH2A-related disorder. Also called: USH2A-related disorders; USH2A-related condition. Identifiers: MedGen CN239332.
Usher syndrome type 2A. Also called: RETINAL DISEASE IN USHER SYNDROME TYPE IIA, MODIFIER OF; USHER SYNDROME, TYPE IIA. Identifiers: Orphanet 231178, Orphanet 886, MedGen C1848634, MONDO:0010169, OMIM 276901.

Allele frequency attached by ClinVar (database versions not stated): ExAC 0.00002; gnomAD 0.00002; TOPMed 0.00002; gnomAD exomes 0.00003.
gnomAD v4.1: 47 of 1,613,904 alleles (0.0029%); highest among the groups gnomAD compares: East Asian, 0.022%; no homozygotes.

Submissions (7):

PreventionGenetics, part of Exact Sciences
Classification: Uncertain significance for USH2A-related condition. Last evaluated: 2026-01-27. Review status: criteria provided, single submitter. Criteria: ACMG Guidelines, 2015. Collection method: clinical testing. Allele origin: germline.
Comment: The USH2A c.15547G>A variant is predicted to result in the amino acid substitution p.Ala5183Thr. To our knowledge, this variant has not been reported in the literature. This variant is reported in 0.030% of alleles in individuals of East Asian descent in gnomAD. At this time, the clinical significance of this variant is uncertain due to the absence of conclusive functional and genetic evidence.

Labcorp Genetics (formerly Invitae), Labcorp
Classification: Uncertain significance. Last evaluated: 2024-09-09. Review status: criteria provided, single submitter. Criteria: Invitae Variant Classification Sherloc (09022015). Collection method: clinical testing. Allele origin: germline.
Comment: This sequence change replaces alanine, which is neutral and non-polar, with threonine, which is neutral and polar, at codon 5183 of the USH2A protein (p.Ala5183Thr). This variant is present in population databases (rs267598369, gnomAD 0.03%). This variant has not been reported in the literature in individuals affected with USH2A-related conditions. ClinVar contains an entry for this variant (Variation ID: 969763). Invitae Evidence Modeling of protein sequence and biophysical properties (such as structural, functional, and spatial information, amino acid conservation, physicochemical variation, residue mobility, and thermodynamic stability) indicates that this missense variant is not expected to disrupt USH2A protein function with a negative predictive value of 95%. In summary, the available evidence is currently insufficient to determine the role of this variant in disease. Therefore, it has been classified as a Variant of Uncertain Significance.

Genome-Nilou Lab
Classification: Uncertain significance for Retinitis pigmentosa 39. Last evaluated: 2023-11-04. Review status: criteria provided, single submitter. Criteria: ACMG Guidelines, 2015. Collection method: clinical testing. Allele origin: germline. Affected: no.

Genome-Nilou Lab
Classification: Uncertain significance for Usher syndrome type 2A. Last evaluated: 2023-11-04. Review status: criteria provided, single submitter. Criteria: ACMG Guidelines, 2015. Collection method: clinical testing. Allele origin: germline. Affected: no.

Fulgent Genetics
Classification: Uncertain significance for Usher syndrome type 2A; Retinitis pigmentosa 39. Last evaluated: 2022-02-07. Review status: criteria provided, single submitter. Criteria: ACMG Guidelines, 2015. Collection method: clinical testing. Allele origin: unknown.

Blueprint Genetics
Classification: Uncertain significance. Last evaluated: 2021-11-23. Review status: criteria provided, single submitter. Criteria: ACMG Guidelines, 2015. Collection method: clinical testing. Allele origin: germline.

Natera, Inc.
Classification: Uncertain significance for Usher syndrome type 2A. Last evaluated: 2020-04-28. Review status: no assertion criteria provided. Collection method: clinical testing. Allele origin: germline. Not counted in ClinVar's aggregate classification.